The following is an entry in ClinVar:

NM_004863.4(SPTLC2):c.196_204dup (p.Met68_Leu69insThrProMet)

Gene: SPTLC2 (serine palmitoyltransferase long chain base subunit 2; minus strand). Cytogenetic location: 14q24.3.
Variant type: Duplication.
Coding change: c.196_204dup on transcript NM_004863.4 (MANE Select); coding-DNA positions 196 to 204, 9 bases duplicated (ACACCAATG; older notation c.196_204dupACACCAATG).
Protein change: p.Met68_Leu69insThrProMet.
Molecular consequence: inframe insertion.
Genome position (GRCh38, 1-based): chr14:77,597,309-77,597,317, CATTGGTGT duplicated on the plus strand (ACACCAATG on the coding strand, the reverse complement: SPTLC2 is on the minus strand). VCF-style (leftmost placement, unchanged base first): chr14-77597308-G-GCATTGGTGT. GRCh37 (hg19) VCF-style: chr14-78063651-G-GCATTGGTGT.
Identifiers: ClinVar variation 2763372 (VCV002763372.3), dbSNP rs2503542323, ClinGen allele CA2697554083.
Genomic context (GRCh38, chr14:77,597,308, plus strand): 5'-CTCGAAGATATCCAAAGAGGGTGAGTACGCCATACCCCACATACGTGAGCACAGCAACCA[G>GCATTGGTGT]CATTGGTGTTTCTTCAAAAGCTTCATTAAACGGTCTTTTATATAGTCCTCCATTTTGTGT-3'

ClinVar aggregate classification (germline): Uncertain significance (1 of 4 stars; one submission).

Conditions:
Neuropathy, hereditary sensory and autonomic, type 1C. Also called: HSAN IC; HSN IC. Identifiers: Orphanet 36386, MedGen C3150896, MONDO:0013337, OMIM 613640.

Submission:

Labcorp Genetics (formerly Invitae), Labcorp
Classification: Uncertain significance for Neuropathy, hereditary sensory and autonomic, type 1C. Last evaluated: 2023-10-04. Review status: criteria provided, single submitter. Criteria: Invitae Variant Classification Sherloc (09022015). Collection method: clinical testing. Allele origin: germline.
Comment: This variant, c.196_204dup, results in the insertion of 3 amino acid(s) of the SPTLC2 protein (p.Thr66_Met68dup), but otherwise preserves the integrity of the reading frame. This variant is not present in population databases (gnomAD no frequency). This variant has not been reported in the literature in individuals affected with SPTLC2-related conditions. In summary, the available evidence is currently insufficient to determine the role of this variant in disease. Therefore, it has been classified as a Variant of Uncertain Significance.